The following is an entry in ClinVar:

NM_000455.5(STK11):c.725G>A (p.Gly242Glu)

Gene: STK11 (serine/threonine kinase 11; plus strand). Cytogenetic location: 19p13.3.
Variant type: single nucleotide variant.
Coding change: c.725G>A on transcript NM_000455.5 (MANE Select); coding-DNA position 725, G replaced by A.
Protein change: p.Gly242Glu; replaces glycine 242 with glutamic acid.
Molecular consequence: missense variant.
Genome position (GRCh38, 1-based): chr19:1,220,708, G>A. VCF-style: chr19-1220708-G-A. GRCh37 (hg19) VCF-style: chr19-1220707-G-A.
Other names: short protein forms G242E.
Identifiers: ClinVar variation 619728 (VCV000619728.7), dbSNP rs1568708382, ClinGen allele CA402949967.

ClinVar aggregate classification (germline): Conflicting classifications of pathogenicity. Review status: criteria provided, conflicting classifications (1 of 4 stars). 4 submissions from 4 submitters: Likely pathogenic (3); Uncertain significance (1). Last evaluated 2021-07-15.

Conditions:
Hereditary cancer-predisposing syndrome. Also called: Tumor predisposition; Neoplastic Syndromes, Hereditary; Hereditary Cancer Syndrome; Hereditary neoplastic syndrome. Identifiers: Orphanet 140162, MedGen C0027672, MeSH D009386, MONDO:0015356.
Peutz-Jeghers syndrome (PJS). Also called: POLYPOSIS, HAMARTOMATOUS INTESTINAL; POLYPS-AND-SPOTS SYNDROME; Peutz-Jeghers polyposis; Periorificial lentiginosis syndrome. Identifiers: Orphanet 2869, MedGen C0031269, MeSH D010580, MONDO:0008280, OMIM 175200.

Submissions (4):

Genome-Nilou Lab
Classification: Likely pathogenic for Peutz-Jeghers syndrome. Last evaluated: 2021-07-15. Review status: criteria provided, single submitter. Criteria: ACMG Guidelines, 2015. Collection method: clinical testing. Allele origin: germline. Affected: no.

Ambry Genetics
Classification: Likely pathogenic for Hereditary cancer-predisposing syndrome. Last evaluated: 2020-03-19. Review status: criteria provided, single submitter. Criteria: Ambry Variant Classification Scheme 2023. Collection method: clinical testing. Allele origin: germline.
Comment: The p.G242E variant (also known as c.725G>A), located in coding exon 5 of the STK11 gene, results from a G to A substitution at nucleotide position 725. The glycine at codon 242 is replaced by glutamic acid, an amino acid with similar properties. This amino acid position is highly conserved in available vertebrate species. This variant has been reported in multiple, unrelated patients with clinical diagnoses of Peutz-Jeghers syndrome (Olschwang S et al. J. Med. Genet. 2001 Jun;38:356-60; Lim W et al. Br. J. Cancer. 2003 Jul;89:308-13; Resta N et al. Dig Liver Dis. 2013 Jul;45:606-11; Wang Z et al. Hum. Mutat. 2014 Jul;35:851-8; Jiang YL et al. Cancer Genet. 2019 01;230:47-57). In addition, this alteration is predicted to be deleterious by in silico analysis. Based on the majority of available evidence to date, this variant is likely to be pathogenic.

Quest Diagnostics Nichols Institute San Juan Capistrano
Classification: Uncertain significance. Last evaluated: 2018-04-18. Review status: criteria provided, single submitter. Criteria: Quest Diagnostics criteria. Collection method: clinical testing. Allele origin: germline.

Women's Health and Genetics/Laboratory Corporation of America, LabCorp
Classification: Likely pathogenic for Peutz-Jeghers syndrome. Last evaluated: 2017-10-20. Review status: criteria provided, single submitter. Criteria: LabCorp Variant Classification Summary - May 2015. Collection method: clinical testing. Allele origin: germline.
Comment: Variant summary: The STK11 c.725G>A (p.Gly242Glu) variant causes a missense change located in the Protein kinase domain (IPR000719) (InterPro) involving the alteration of a conserved nucleotide. 4/4 in silico tools predict a damaging outcome for this variant (SNPsandGO not captured due to low reliability index). This variant is absent in 238656 control chromosomes in gnomAD. This variant was found in multiple PeutzJeghers syndrome patients (Wang_2014, Lim_2003, Resta_2013). In addition, the variant has not been cited by any reputable databases/clinical laboratories. Taken together, this variant is classified as Likely Pathogenic, until more clinical and functional data become available.

Literature cited by the submitters: PubMed 11389158 (cited by Ambry Genetics and Women's Health and Genetics/Laboratory Corporation of America, LabCorp); PubMed 12865922 (cited by Ambry Genetics and Women's Health and Genetics/Laboratory Corporation of America, LabCorp); PubMed 23415580 (cited by Ambry Genetics and Women's Health and Genetics/Laboratory Corporation of America, LabCorp); PubMed 24652667 (cited by Ambry Genetics and Women's Health and Genetics/Laboratory Corporation of America, LabCorp); PubMed 30528796 (cited by Ambry Genetics); PubMed 16110486 (cited by Women's Health and Genetics/Laboratory Corporation of America, LabCorp); PubMed 15863673 (cited by Women's Health and Genetics/Laboratory Corporation of America, LabCorp); PubMed 16582077 (cited by Women's Health and Genetics/Laboratory Corporation of America, LabCorp).